The following is an entry in ClinVar:

ClinVar aggregate classification (germline): Uncertain significance (1 of 4 stars; one submission).

Conditions:
Cardiovascular phenotype. Identifiers: MedGen CN230736.

Submission:

Ambry Genetics
Classification: Uncertain significance for Cardiovascular phenotype. Last evaluated: 2023-03-08. Review status: criteria provided, single submitter. Criteria: Ambry Variant Classification Scheme 2023. Collection method: clinical testing. Allele origin: germline.
Comment: The p.I2110N variant (also known as c.6329T>A), located in coding exon 38 of the FLNC gene, results from a T to A substitution at nucleotide position 6329. The isoleucine at codon 2110 is replaced by asparagine, an amino acid with dissimilar properties. This amino acid position is conserved. In addition, this alteration is predicted to be deleterious by in silico analysis. Since supporting evidence is limited at this time, the clinical significance of this alteration remains unclear.

NM_001458.5(FLNC):c.6329T>A (p.Ile2110Asn)

Genes: FLNC (filamin C; plus strand), FLNC-AS1 (FLNC antisense RNA 1; minus strand). Cytogenetic location: 7q32.1.
Variant type: single nucleotide variant.
Coding change: c.6329T>A on transcript NM_001458.5 (MANE Select); coding-DNA position 6329, T replaced by A.
Protein change: p.Ile2110Asn; replaces isoleucine 2110 with asparagine.
Molecular consequence: missense variant.
Genome position (GRCh38, 1-based): chr7:128,853,589, T>A. VCF-style: chr7-128853589-T-A. GRCh37 (hg19) VCF-style: chr7-128493643-T-A.
Other names: c.6230T>A, p.Ile2077Asn (NM_001127487.2); short protein forms I2110N, I2077N.
Identifiers: ClinVar variation 2450908 (VCV002450908.2), dbSNP rs1585168667, ClinGen allele CA369212225.